The following is an entry in ClinVar:

NM_002968.3(SALL1):c.3173C>G (p.Ser1058Cys)

Gene: SALL1 (spalt like transcription factor 1; minus strand). Cytogenetic location: 16q12.1.
Variant type: single nucleotide variant.
Coding change: c.3173C>G on transcript NM_002968.3 (MANE Select); coding-DNA position 3173, C replaced by G.
Protein change: p.Ser1058Cys; replaces serine 1058 with cysteine.
Molecular consequence: missense variant.
Genome position (GRCh38, 1-based): chr16:51,139,049, G>C on the plus strand (C>G on the coding strand, the complement: SALL1 is on the minus strand). VCF-style: chr16-51139049-G-C. GRCh37 (hg19) VCF-style: chr16-51172960-G-C.
Other names: c.2882C>G, p.Ser961Cys (NM_001127892.2); short protein forms S1058C, S961C.
Identifiers: ClinVar variation 1306098 (VCV001306098.2), dbSNP rs2143437983, ClinGen allele CA395881578.
Genomic context (GRCh38, chr16:51,139,049, plus strand): 5'-GCGGGAATCACCGCTGAGTTCTGATTGGGGCCAAGGTTGGAACTGGGCTCAAAGAGCTGG[G>C]ATGGCAGATCTCGCATCTGATGTGTCAACATGTGCTGCTTCAAATTACCCTTTGTGGAAA-3'
Protein context (NP_002959.2, residues 1048-1068): MLTHQMRDLP[Ser1058Cys]QLFEPSSNLG

ClinVar aggregate classification (germline): Uncertain significance (1 of 4 stars; one submission).

Submission:

GeneDx
Classification: Uncertain significance. Last evaluated: 2020-07-29. Review status: criteria provided, single submitter. Criteria: GeneDx Variant Classification Process June 2021. Collection method: clinical testing. Allele origin: germline. Affected: yes.
Comment: Not observed in large population cohorts (Lek et al., 2016); In silico analysis, which includes protein predictors and evolutionary conservation, supports a deleterious effect; Has not been previously published as pathogenic or benign to our knowledge